The following is an entry in ClinVar:

NM_001371928.1(AHDC1):c.3790C>T (p.Arg1264Trp)

Gene: AHDC1 (AT-hook DNA binding motif containing 1; minus strand). Cytogenetic location: 1p36.11.
Variant type: single nucleotide variant.
Coding change: c.3790C>T on transcript NM_001371928.1 (MANE Select); coding-DNA position 3790, C replaced by T.
Protein change: p.Arg1264Trp; replaces arginine 1264 with tryptophan.
Molecular consequence: missense variant.
Genome position (GRCh38, 1-based): chr1:27,548,326, G>A on the plus strand (C>T on the coding strand, the complement: AHDC1 is on the minus strand). VCF-style: chr1-27548326-G-A. GRCh37 (hg19) VCF-style: chr1-27874837-G-A.
Other names: c.3790C>T, p.Arg1264Trp (NM_001029882.3); c.-254C>T (NM_015699.1); short protein forms R1264W.
Identifiers: ClinVar variation 1937554 (VCV001937554.19), dbSNP rs770315969, ClinGen allele CA715493.

ClinVar aggregate classification (germline): Conflicting classifications of pathogenicity. Review status: criteria provided, conflicting classifications (1 of 4 stars). 2 submissions from 2 submitters: Uncertain significance (1); Likely benign (1). Last evaluated 2025-01-06.

Allele frequency attached by ClinVar (database versions not stated): gnomAD exomes 0.00001; ExAC 0.00002.
gnomAD v4.1: 12 of 1,606,818 alleles (0.00075%); highest among the groups gnomAD compares: African/African-American, 0.0013%; no homozygotes.

Submissions (2):

Labcorp Genetics (formerly Invitae), Labcorp
Classification: Uncertain significance. Last evaluated: 2025-01-06. Review status: criteria provided, single submitter. Criteria: Invitae Variant Classification Sherloc (09022015). Collection method: clinical testing. Allele origin: germline.
Comment: This sequence change replaces arginine, which is basic and polar, with tryptophan, which is neutral and slightly polar, at codon 1264 of the AHDC1 protein (p.Arg1264Trp). This variant is present in population databases (rs770315969, gnomAD 0.002%). This variant has not been reported in the literature in individuals affected with AHDC1-related conditions. ClinVar contains an entry for this variant (Variation ID: 1937554). An algorithm developed to predict the effect of missense changes on protein structure and function (PolyPhen-2) suggests that this variant is likely to be disruptive. In summary, the available evidence is currently insufficient to determine the role of this variant in disease. Therefore, it has been classified as a Variant of Uncertain Significance.

CeGaT Center for Human Genetics Tuebingen
Classification: Likely benign. Last evaluated: 2024-10-01. Review status: criteria provided, single submitter. Criteria: CeGaT Center For Human Genetics Tuebingen Variant Classification Criteria Version 2. Collection method: clinical testing. Allele origin: germline. Affected: yes. Observed: 1 variant allele.
Comment: AHDC1: BP1